The following is an entry in ClinVar:

NM_000059.4(BRCA2):c.7207dup (p.Thr2403fs)

Gene: BRCA2 (BRCA2 DNA repair associated; plus strand). Cytogenetic location: 13q13.1.
Variant type: Duplication.
Coding change: c.7207dup on transcript NM_000059.4 (MANE Select); coding-DNA position 7207, one base duplicated (A; older notation c.7207dupA).
Protein change: p.Thr2403fs; shifts the reading frame from threonine 2403.
Molecular consequence: frameshift variant.
Genome position (GRCh38, 1-based): chr13:32,355,060, A duplicated; the last of 2 consecutive A bases (chr13:32,355,059-32,355,060); duplicating either gives the same sequence. VCF-style (leftmost placement, unchanged base first): chr13-32355058-C-CA. GRCh37 (hg19) VCF-style: chr13-32929195-C-CA.
Other names: short protein forms T2403fs.
Identifiers: ClinVar variation 841130 (VCV000841130.8), dbSNP rs2072679856, ClinGen allele CA916080532.

ClinVar aggregate classification (germline): Pathogenic (1 of 4 stars; one submission).

Conditions:
Hereditary breast ovarian cancer syndrome. Also called: Breast and ovarian cancer; Hereditary breast and ovarian cancer syndrome; Hereditary breast and ovarian cancer syndrome (HBOC); BRCA1- and BRCA2-Associated Hereditary Breast and Ovarian Cancer; Hereditary breast and ovarian cancer; Hereditary breast and/or ovarian cancer syndrome. Identifiers: Orphanet 145, MedGen C0677776, MeSH D061325, MONDO:0003582. Disease mechanism: loss of function.

Submission:

Labcorp Genetics (formerly Invitae), Labcorp
Classification: Pathogenic for Hereditary breast ovarian cancer syndrome. Last evaluated: 2019-11-25. Review status: criteria provided, single submitter. Criteria: Invitae Variant Classification Sherloc (09022015). Collection method: clinical testing. Allele origin: germline.
Comment: Loss-of-function variants in BRCA2 are known to be pathogenic (PMID: 20104584). For these reasons, this variant has been classified as Pathogenic. This variant has not been reported in the literature in individuals with BRCA2-related conditions. This variant is not present in population databases (ExAC no frequency). This sequence change creates a premature translational stop signal (p.Thr2403Asnfs*9) in the BRCA2 gene. It is expected to result in an absent or disrupted protein product.

Literature cited by the submitters: PubMed 20104584.